The following is an entry in ClinVar:

ClinVar aggregate classification (germline): Conflicting classifications of pathogenicity. Review status: criteria provided, conflicting classifications (1 of 4 stars). 5 submissions from 5 submitters: Uncertain significance (1); Likely benign (4). Last evaluated 2026-09-01.

Conditions:
TMEM165-congenital disorder of glycosylation. Also called: Congenital disorder of glycosylation type 2k; TMEM165-CDG; CDG IIk. Identifiers: Orphanet 314667, MedGen C3553571, MONDO:0013870, OMIM 614727.

Allele frequency attached by ClinVar (database versions not stated): 1000 Genomes Project 0.00140; 1000 Genomes Project 30x 0.00141; ExAC 0.00171; gnomAD exomes 0.00191 and 0.00268; ESP Exome Variant Server 0.00231; TOPMed 0.00255.
gnomAD v4.1: 4,291 of 1,614,072 alleles (0.27%); highest among the groups gnomAD compares: Non-Finnish European, 0.31%; 10 homozygotes.

Submissions (5):

CeGaT Center for Human Genetics Tuebingen
Classification: Likely benign. Last evaluated: 2026-09-01. Review status: criteria provided, single submitter. Criteria: CeGaT Center For Human Genetics Tuebingen Variant Classification Criteria Version 2. Collection method: clinical testing. Allele origin: germline. Affected: yes. Observed: 6 variant alleles.
Comment: TMEM165: BP4, BP7

Labcorp Genetics (formerly Invitae), Labcorp
Classification: Likely benign for TMEM165-congenital disorder of glycosylation. Last evaluated: 2026-01-26. Review status: criteria provided, single submitter. Criteria: Invitae Variant Classification Sherloc (09022015). Collection method: clinical testing. Allele origin: germline.

Blueprint Genetics
Classification: Likely benign. Last evaluated: 2024-11-20. Review status: criteria provided, single submitter. Criteria: ACMG Guidelines, 2015. Collection method: clinical testing. Allele origin: germline.

GeneDx
Classification: Likely benign. Last evaluated: 2021-06-17. Review status: criteria provided, single submitter. Criteria: GeneDx Variant Classification Process June 2021. Collection method: clinical testing. Allele origin: germline. Affected: yes.

Illumina Laboratory Services, Illumina
Classification: Uncertain significance for TMEM165-congenital disorder of glycosylation. Last evaluated: 2018-01-12. Review status: criteria provided, single submitter. Criteria: ICSL Variant Classification Criteria 13 December 2019. Collection method: clinical testing. Allele origin: germline.

NM_018475.5(TMEM165):c.294C>T (p.Val98=)

Gene: TMEM165 (transmembrane protein 165; plus strand). Cytogenetic location: 4q12.
Variant type: single nucleotide variant.
Coding change: c.294C>T on transcript NM_018475.5 (MANE Select); coding-DNA position 294, C replaced by T.
Protein change: p.Val98=; no amino-acid change (valine 98 retained).
Molecular consequence: synonymous variant. On other transcripts: non-coding transcript variant (1).
Genome position (GRCh38, 1-based): chr4:55,411,700, C>T. VCF-style: chr4-55411700-C-T. GRCh37 (hg19) VCF-style: chr4-56277867-C-T.
Identifiers: ClinVar variation 380191 (VCV000380191.42), dbSNP rs11542641, ClinGen allele CA2925491.